The following is an entry in ClinVar:

NM_152594.3(SPRED1):c.382C>G (p.Pro128Ala)

Gene: SPRED1 (sprouty related EVH1 domain containing 1; plus strand). Cytogenetic location: 15q14.
Variant type: single nucleotide variant.
Coding change: c.382C>G on transcript NM_152594.3 (MANE Select); coding-DNA position 382, C replaced by G.
Protein change: p.Pro128Ala; replaces proline 128 with alanine.
Molecular consequence: missense variant.
Genome position (GRCh38, 1-based): chr15:38,324,768, C>G. VCF-style: chr15-38324768-C-G. GRCh37 (hg19) VCF-style: chr15-38616969-C-G.
Other names: short protein forms P128A.
Identifiers: ClinVar variation 1034322 (VCV001034322.5), dbSNP rs1895677013, ClinGen allele CA391932290.

ClinVar aggregate classification (germline): Uncertain significance. Review status: criteria provided, multiple submitters, no conflicts (2 of 4 stars). 4 submissions from 4 submitters: Uncertain significance (4). Last evaluated 2026-03-07.

Conditions:
Legius syndrome. Identifiers: Orphanet 137605, MedGen C1969623, MONDO:0012669, OMIM 611431. Disease mechanism: loss of function.
Cardiovascular phenotype. Identifiers: MedGen CN230736.

gnomAD v4.1: 1 of 1,608,324 alleles (0.000062%); highest among the groups gnomAD compares: Non-Finnish European, 0.000085%; no homozygotes.

Submissions (4):

Ambry Genetics
Classification: Uncertain significance for Cardiovascular phenotype. Last evaluated: 2026-03-07. Review status: criteria provided, single submitter. Criteria: Ambry Variant Classification Scheme 2023. Collection method: clinical testing. Allele origin: germline.
Comment: The p.P128A variant (also known as c.382C>G), located in coding exon 4 of the SPRED1 gene, results from a C to G substitution at nucleotide position 382. The proline at codon 128 is replaced by alanine, an amino acid with highly similar properties. This amino acid position is conserved. In addition, this alteration is predicted to be tolerated by in silico analysis. Based on the available evidence, the clinical significance of this variant remains unclear.

GeneDx
Classification: Uncertain significance. Last evaluated: 2026-03-02. Review status: criteria provided, single submitter. Criteria: GeneDx Variant Classification Process June 2021. Collection method: clinical testing. Allele origin: germline.
Comment: Not observed at significant frequency in large population cohorts (gnomAD); In silico analysis suggests that this missense variant does not alter protein structure/function; Has not been previously published as pathogenic or benign to our knowledge

Labcorp Genetics (formerly Invitae), Labcorp
Classification: Uncertain significance for Legius syndrome. Last evaluated: 2025-02-19. Review status: criteria provided, single submitter. Criteria: Invitae Variant Classification Sherloc (09022015). Collection method: clinical testing. Allele origin: germline.
Comment: This sequence change replaces proline, which is neutral and non-polar, with alanine, which is neutral and non-polar, at codon 128 of the SPRED1 protein (p.Pro128Ala). This variant is not present in population databases (gnomAD no frequency). This variant has not been reported in the literature in individuals affected with SPRED1-related conditions. ClinVar contains an entry for this variant (Variation ID: 1034322). Invitae Evidence Modeling of protein sequence and biophysical properties (such as structural, functional, and spatial information, amino acid conservation, physicochemical variation, residue mobility, and thermodynamic stability) indicates that this missense variant is not expected to disrupt SPRED1 protein function with a negative predictive value of 80%. In summary, the available evidence is currently insufficient to determine the role of this variant in disease. Therefore, it has been classified as a Variant of Uncertain Significance.

Baylor Genetics
Classification: Uncertain significance for Legius syndrome. Last evaluated: 2018-07-30. Review status: criteria provided, single submitter. Criteria: ACMG Guidelines, 2015. Collection method: clinical testing. Allele origin: maternal. Affected: yes.
Comment: This variant was determined to be of uncertain significance according to ACMG Guidelines, 2015 [PMID:25741868].